The following is an entry in ClinVar:

ClinVar aggregate classification (germline): Uncertain significance. Review status: criteria provided, multiple submitters, no conflicts (2 of 4 stars). 2 submissions from 2 submitters: Uncertain significance (2). Last evaluated 2022-05-25.

Conditions:
Inborn genetic diseases. Identifiers: MedGen C0950123, MeSH D030342.

Allele frequency attached by ClinVar (database versions not stated): gnomAD exomes below 0.00001 and 0.00001; gnomAD 0.00001; TOPMed 0.00001.
gnomAD v4.1: 12 of 1,614,028 alleles (0.00074%); highest among the groups gnomAD compares: Non-Finnish European, 0.001%; no homozygotes.

Submissions (2):

Ambry Genetics
Classification: Uncertain significance for Inborn genetic diseases. Last evaluated: 2022-05-25. Review status: criteria provided, single submitter. Criteria: Ambry Variant Classification Scheme 2023. Collection method: clinical testing. Allele origin: germline.

Labcorp Genetics (formerly Invitae), Labcorp
Classification: Uncertain significance. Last evaluated: 2021-09-15. Review status: criteria provided, single submitter. Criteria: Invitae Variant Classification Sherloc (09022015). Collection method: clinical testing. Allele origin: germline.
Comment: This variant is not present in population databases (ExAC no frequency). This sequence change replaces alanine with threonine at codon 332 of the PRMT7 protein (p.Ala332Thr). The alanine residue is weakly conserved and there is a small physicochemical difference between alanine and threonine. This variant has not been reported in the literature in individuals affected with PRMT7-related conditions. In summary, the available evidence is currently insufficient to determine the role of this variant in disease. Therefore, it has been classified as a Variant of Uncertain Significance. Algorithms developed to predict the effect of missense changes on protein structure and function output the following: SIFT: "Tolerated"; PolyPhen-2: "Benign"; Align-GVGD: "Class C0". The threonine amino acid residue is found in multiple mammalian species, which suggests that this missense change does not adversely affect protein function.

NM_019023.5(PRMT7):c.994G>A (p.Ala332Thr)

Gene: PRMT7 (protein arginine methyltransferase 7; plus strand). Cytogenetic location: 16q22.1.
Variant type: single nucleotide variant.
Coding change: c.994G>A on transcript NM_019023.5 (MANE Select); coding-DNA position 994, G replaced by A.
Protein change: p.Ala332Thr; replaces alanine 332 with threonine.
Molecular consequence: missense variant. On other transcripts: non-coding transcript variant (12).
Genome position (GRCh38, 1-based): chr16:68,345,741, G>A. VCF-style: chr16-68345741-G-A. GRCh37 (hg19) VCF-style: chr16-68379644-G-A.
Other names: c.844G>A, p.Ala282Thr (NM_001184824.4); c.994G>A, p.Ala332Thr (NM_001290018.2, NM_001351143.3, NM_001351144.3 and 1 more transcripts); c.787G>A, p.Ala263Thr (NM_001378020.1); c.757G>A, p.Ala253Thr (NM_001378021.1, NM_001378022.1, NM_001378023.1); c.994G>A (NM_019023.2); short protein forms A253T, A332T, A282T, A263T.
Identifiers: ClinVar variation 1432287 (VCV001432287.7), dbSNP rs1302275373, ClinGen allele CA396435663.
Genomic context (GRCh38, chr16:68,345,741, plus strand): 5'-GACCACTGGATGCAGTGTGTGTACTTCCTGCCACAAGAGGAGCCTGTGGTGCAGGGCTCA[G>A]CGCTCTATCTGGTAGCCCACCACGATGACTACTGCGTATGGTACAGCCTGCAGAGGACCA-3'
Protein context (NP_061896.1, residues 322-342): PQEEPVVQGS[Ala332Thr]LYLVAHHDDY